The following is an entry in ClinVar:

NM_006767.4(LZTR1):c.1655A>G (p.Lys552Arg)

Gene: LZTR1 (leucine zipper like post translational regulator 1; plus strand). Cytogenetic location: 22q11.21.
Variant type: single nucleotide variant.
Coding change: c.1655A>G on transcript NM_006767.4 (MANE Select); coding-DNA position 1655, A replaced by G.
Protein change: p.Lys552Arg; replaces lysine 552 with arginine.
Molecular consequence: missense variant.
Genome position (GRCh38, 1-based): chr22:20,994,597, A>G. VCF-style: chr22-20994597-A-G. GRCh37 (hg19) VCF-style: chr22-21348886-A-G.
Other names: short protein forms K552R.
Identifiers: ClinVar variation 3238119 (VCV003238119.3), dbSNP rs1011857682.

ClinVar aggregate classification (germline): Uncertain significance. Review status: criteria provided, multiple submitters, no conflicts (2 of 4 stars). 2 submissions from 2 submitters: Uncertain significance (2). Last evaluated 2025-11-18.

Conditions:
Hereditary cancer-predisposing syndrome. Also called: Neoplastic Syndromes, Hereditary; Tumor predisposition; Hereditary neoplastic syndrome; Hereditary Cancer Syndrome. Identifiers: Orphanet 140162, MedGen C0027672, MeSH D009386, MONDO:0015356.
Cardiovascular phenotype. Identifiers: MedGen CN230736.

Allele frequency attached by ClinVar (database versions not stated): TOPMed below 0.00001.

Submissions (2):

Ambry Genetics
Classification: Uncertain significance for Cardiovascular phenotype; Hereditary cancer-predisposing syndrome. Last evaluated: 2025-11-18. Review status: criteria provided, single submitter. Criteria: Ambry Variant Classification Scheme 2023. Collection method: clinical testing. Allele origin: germline.
Comment: The p.K552R variant (also known as c.1655A>G), located in coding exon 15 of the LZTR1 gene, results from an A to G substitution at nucleotide position 1655. The lysine at codon 552 is replaced by arginine, an amino acid with highly similar properties. This amino acid position is highly conserved in available vertebrate species. In addition, this alteration is predicted to be tolerated by in silico analysis. Based on the available evidence, the clinical significance of this variant remains unclear.

GeneDx
Classification: Uncertain significance. Last evaluated: 2023-10-26. Review status: criteria provided, single submitter. Criteria: GeneDx Variant Classification Process June 2021. Collection method: clinical testing. Allele origin: germline. Affected: yes.
Comment: Not observed at significant frequency in large population cohorts (gnomAD); In silico analysis supports a deleterious effect on splicing; In silico analysis supports that this missense variant does not alter protein structure/function; Has not been previously published as pathogenic or benign to our knowledge